The following is an entry in ClinVar:

ClinVar aggregate classification (germline): Uncertain significance (1 of 4 stars; one submission).

gnomAD v4.1: 7 of 1,605,824 alleles (0.00044%); highest among the groups gnomAD compares: Middle Eastern, 0.016%; no homozygotes.

Submission:

GeneDx
Classification: Uncertain significance. Last evaluated: 2025-05-28. Review status: criteria provided, single submitter. Criteria: GeneDx Variant Classification Process June 2021. Collection method: clinical testing. Allele origin: germline. Affected: yes.
Comment: Not observed at significant frequency in large population cohorts (gnomAD); In silico analysis supports a deleterious effect on splicing; Has not been previously published as pathogenic or benign to our knowledge

NM_001083961.2(WDR62):c.177+5G>A

Gene: WDR62 (WD repeat domain 62; plus strand). Cytogenetic location: 19q13.12.
Variant type: single nucleotide variant.
Coding change: c.177+5G>A on transcript NM_001083961.2 (MANE Select); 5 bases into the intron after coding-DNA position 177, G replaced by A.
Molecular consequence: intron variant.
Genome position (GRCh38, 1-based): chr19:36,055,153, G>A. VCF-style: chr19-36055153-G-A. GRCh37 (hg19) VCF-style: chr19-36546055-G-A.
Other names: c.177+5G>A (NM_173636.5, NM_001411146.1, NM_001411145.1 and 1 more transcripts).
Identifiers: ClinVar variation 4532355 (VCV004532355.1).